The following is an entry in ClinVar:

NM_001302998.2(LIPI):c.398C>T (p.Ala133Val)

Gene: LIPI (lipase I; minus strand). Cytogenetic location: 21q11.2.
Variant type: single nucleotide variant.
Coding change: c.398C>T on transcript NM_001302998.2 (MANE Select); coding-DNA position 398, C replaced by T.
Protein change: p.Ala133Val; replaces alanine 133 with valine.
Molecular consequence: missense variant. On other transcripts: intron variant (1).
Genome position (GRCh38, 1-based): chr21:14,189,068, G>A on the plus strand (C>T on the coding strand, the complement: LIPI is on the minus strand). VCF-style: chr21-14189068-G-A. GRCh37 (hg19) VCF-style: chr21-15561389-G-A.
Other names: c.398C>T, p.Ala133Val (NM_001302999.2, NM_001303000.2, NM_001303001.2 and 1 more transcripts); c.263C>T, p.Ala88Val (NM_198996.4); c.47-7209C>T (NM_001379566.1); short protein forms A88V, A133V.
Identifiers: ClinVar variation 4771492 (VCV004771492.1).

ClinVar aggregate classification (germline): Uncertain significance (1 of 4 stars; one submission).

gnomAD v4.1: 3 of 1,608,798 alleles (0.00019%); highest among the groups gnomAD compares: Non-Finnish European, 0.00025%; no homozygotes.

Submission:

Labcorp Genetics (formerly Invitae), Labcorp
Classification: Uncertain significance. Last evaluated: 2025-07-18. Review status: criteria provided, single submitter. Criteria: Invitae Variant Classification Sherloc (09022015). Collection method: clinical testing. Allele origin: germline.
Comment: This sequence change replaces alanine, which is neutral and non-polar, with valine, which is neutral and non-polar, at codon 154 of the LIPI protein (p.Ala154Val). This variant is not present in population databases (gnomAD no frequency). This variant has not been reported in the literature in individuals affected with LIPI-related conditions. An algorithm developed to predict the effect of missense changes on protein structure and function (PolyPhen-2) suggests that this variant is likely to be disruptive. In summary, the available evidence is currently insufficient to determine the role of this variant in disease. Therefore, it has been classified as a Variant of Uncertain Significance.